The following is an entry in ClinVar:

ClinVar aggregate classification (germline): Uncertain significance (1 of 4 stars; one submission).

Conditions:
Hereditary cancer-predisposing syndrome. Also called: Neoplastic Syndromes, Hereditary; Hereditary Cancer Syndrome; Hereditary neoplastic syndrome; Tumor predisposition. Identifiers: Orphanet 140162, MedGen C0027672, MeSH D009386, MONDO:0015356.

Submission:

Ambry Genetics
Classification: Uncertain significance for Hereditary cancer-predisposing syndrome. Last evaluated: 2023-04-18. Review status: criteria provided, single submitter. Criteria: Ambry Variant Classification Scheme 2023. Collection method: clinical testing. Allele origin: germline.
Comment: The p.Q701P variant (also known as c.2102A>C), located in coding exon 15 of the TSC1 gene, results from an A to C substitution at nucleotide position 2102. The glutamine at codon 701 is replaced by proline, an amino acid with similar properties. This amino acid position is conserved. In addition, this alteration is predicted to be deleterious by in silico analysis. Since supporting evidence is limited at this time, the clinical significance of this alteration remains unclear.

NM_000368.5(TSC1):c.2102A>C (p.Gln701Pro)

Gene: TSC1 (TSC complex subunit 1; minus strand). Cytogenetic location: 9q34.13.
Variant type: single nucleotide variant.
Coding change: c.2102A>C on transcript NM_000368.5 (MANE Select); coding-DNA position 2102, A replaced by C.
Protein change: p.Gln701Pro; replaces glutamine 701 with proline.
Molecular consequence: missense variant. On other transcripts: non-coding transcript variant (4).
Genome position (GRCh38, 1-based): chr9:132,903,757, T>G on the plus strand (A>C on the coding strand, the complement: TSC1 is on the minus strand). VCF-style: chr9-132903757-T-G. GRCh37 (hg19) VCF-style: chr9-135779144-T-G.
Other names: c.1739A>C, p.Gln580Pro (NM_001406619.1, NM_001406624.1, NM_001362177.2 and 5 more transcripts); c.1736A>C, p.Gln579Pro (NM_001406620.1, NM_001406621.1, NM_001406622.1 and 2 more transcripts); c.1151A>C, p.Gln384Pro (NM_001406626.1); c.1148A>C, p.Gln383Pro (NM_001406627.1, NM_001406628.1); c.1049A>C, p.Gln350Pro (NM_001406629.1, NM_001406630.1); c.2099A>C, p.Gln700Pro (NM_001162426.2, NM_001406597.1, NM_001406598.1 and 4 more transcripts); c.1949A>C, p.Gln650Pro (NM_001162427.2, NM_001406610.1); c.2102A>C, p.Gln701Pro (NM_001406592.1, NM_001406593.1, NM_001406594.1 and 5 more transcripts); and 3 more; short protein forms Q383P, Q579P, Q649P, Q695P, Q696P, Q701P, Q350P, Q384P.
Identifiers: ClinVar variation 2562864 (VCV002562864.2), dbSNP rs2538655833, ClinGen allele CA375361050.